The following is an entry in ClinVar:

NM_006361.6(HOXB13):c.499G>A (p.Asp167Asn)

Gene: HOXB13 (homeobox B13; minus strand). Cytogenetic location: 17q21.32.
Variant type: single nucleotide variant.
Coding change: c.499G>A on transcript NM_006361.6 (MANE Select); coding-DNA position 499, G replaced by A.
Protein change: p.Asp167Asn; replaces aspartic acid 167 with asparagine.
Molecular consequence: missense variant.
Genome position (GRCh38, 1-based): chr17:48,728,095, C>T on the plus strand (G>A on the coding strand, the complement: HOXB13 is on the minus strand). VCF-style: chr17-48728095-C-T. GRCh37 (hg19) VCF-style: chr17-46805457-C-T.
Other names: p.D167N:GAC>AAC; short protein forms D167N.
Identifiers: ClinVar variation 128035 (VCV000128035.18), dbSNP rs587780164, ClinGen allele CA288236.
Genomic context (GRCh38, chr17:48,728,095, plus strand): 5'-CTCCCTGGCAACACATCTGGCTGTTCCAGCCACCAGCGAGAGCCCAAGACTGGTAACTGT[C>T]CACAGGCAACAGGGAGTCATGTCGCGGTTCTCCAGGAGCACCCAGAGTCTGCACCACAGA-3'
Protein context (NP_006352.2, residues 157-177): EPRHDSLLPV[Asp167Asn]SYQSWALAGG

ClinVar aggregate classification (germline): Uncertain significance. Review status: criteria provided, multiple submitters, no conflicts (2 of 4 stars). 5 submissions from 5 submitters: Uncertain significance (5). Last evaluated 2024-12-17.

Conditions:
HOXB13-related disorder. Also called: HOXB13-related condition; HOXB13-related disorders.
Prostate cancer, hereditary, 9 (HPC9). Identifiers: Orphanet 1331, MedGen C1970250, MONDO:0012597, OMIM 610997.
Hereditary cancer-predisposing syndrome. Also called: Hereditary neoplastic syndrome; Neoplastic Syndromes, Hereditary; Hereditary Cancer Syndrome; Tumor predisposition. Identifiers: Orphanet 140162, MedGen C0027672, MeSH D009386, MONDO:0015356.

Allele frequency attached by ClinVar (database versions not stated): gnomAD exomes 0.00002; gnomAD 0.00003; ExAC 0.00004; TOPMed 0.00004.
gnomAD v4.1: 26 of 1,614,106 alleles (0.0016%); highest among the groups gnomAD compares: Non-Finnish European, 0.0021%; no homozygotes.

Submissions (5):

Labcorp Genetics (formerly Invitae), Labcorp
Classification: Uncertain significance. Last evaluated: 2024-12-17. Review status: criteria provided, single submitter. Criteria: Invitae Variant Classification Sherloc (09022015). Collection method: clinical testing. Allele origin: germline.
Comment: This sequence change replaces aspartic acid, which is acidic and polar, with asparagine, which is neutral and polar, at codon 167 of the HOXB13 protein (p.Asp167Asn). This variant is present in population databases (rs587780164, gnomAD 0.004%). This variant has not been reported in the literature in individuals affected with HOXB13-related conditions. ClinVar contains an entry for this variant (Variation ID: 128035). Invitae Evidence Modeling of protein sequence and biophysical properties (such as structural, functional, and spatial information, amino acid conservation, physicochemical variation, residue mobility, and thermodynamic stability) indicates that this missense variant is not expected to disrupt HOXB13 protein function with a negative predictive value of 80%. In summary, the available evidence is currently insufficient to determine the role of this variant in disease. Therefore, it has been classified as a Variant of Uncertain Significance.

Ambry Genetics
Classification: Uncertain significance for Hereditary cancer-predisposing syndrome. Last evaluated: 2024-12-11. Review status: criteria provided, single submitter. Criteria: Ambry Variant Classification Scheme 2023. Collection method: clinical testing. Allele origin: germline.
Comment: The p.D167N variant (also known as c.499G>A), located in coding exon 1 of the HOXB13 gene, results from a G to A substitution at nucleotide position 499. The aspartic acid at codon 167 is replaced by asparagine, an amino acid with highly similar properties. This amino acid position is highly conserved in available vertebrate species. In addition, this alteration is predicted to be tolerated by in silico analysis. Based on the available evidence, the clinical significance of this variant remains unclear.

Fulgent Genetics
Classification: Uncertain significance for Prostate cancer, hereditary, 9. Last evaluated: 2024-05-14. Review status: criteria provided, single submitter. Criteria: ACMG Guidelines, 2015. Collection method: clinical testing. Allele origin: germline.

PreventionGenetics, part of Exact Sciences
Classification: Uncertain significance for HOXB13-related condition. Last evaluated: 2023-04-24. Review status: criteria provided, single submitter. Criteria: ACMG Guidelines, 2015. Collection method: clinical testing. Allele origin: germline.
Comment: The HOXB13 c.499G>A variant is predicted to result in the amino acid substitution p.Asp167Asn. To our knowledge, this variant has not been reported in the literature. This variant is reported in 0.0053% of alleles in individuals of European (Non-Finnish) descent in gnomAD. At this time, the clinical significance of this variant is uncertain due to the absence of conclusive functional and genetic evidence.

GeneDx
Classification: Uncertain significance. Last evaluated: 2023-02-03. Review status: criteria provided, single submitter. Criteria: GeneDx Variant Classification Process June 2021. Collection method: clinical testing. Allele origin: germline. Affected: yes.
Comment: In silico analysis supports that this missense variant has a deleterious effect on protein structure/function; Has not been previously published as pathogenic or benign to our knowledge; This variant is associated with the following publications: (PMID: 28272408)

Literature cited by the submitters: PubMed 28272408 (cited by Ambry Genetics).